The following is an entry in ClinVar:

ClinVar aggregate classification (germline): Benign/Likely benign. Review status: criteria provided, multiple submitters, no conflicts (2 of 4 stars). 3 submissions from 3 submitters: Benign (1); Likely benign (2). Last evaluated 2026-02-01.

Conditions:
Retinitis pigmentosa (RP). Identifiers: Orphanet 791, MedGen C0035334, MeSH D012174, MONDO:0019200, OMIM 268000. Inheritance: Autosomal dominant, autosomal recessive and X linked inheritance.

Allele frequency attached by ClinVar (database versions not stated): gnomAD exomes 0.00160 and 0.00408; ExAC 0.00484; gnomAD 0.01587 and 0.01706; 1000 Genomes Project 0.01637; ESP Exome Variant Server 0.01661; TOPMed 0.01764; 1000 Genomes Project 30x 0.01952.
gnomAD v4.1: 4,861 of 1,614,064 alleles (0.3%); highest among the groups gnomAD compares: African/African-American, 5.6%; 128 homozygotes.

Submissions (3):

Labcorp Genetics (formerly Invitae), Labcorp
Classification: Benign. Last evaluated: 2026-02-01. Review status: criteria provided, single submitter. Criteria: Invitae Variant Classification Sherloc (09022015). Collection method: clinical testing. Allele origin: germline.

Illumina Laboratory Services, Illumina
Classification: Likely benign for Retinitis pigmentosa. Last evaluated: 2018-01-12. Review status: criteria provided, single submitter. Criteria: ICSL Variant Classification Criteria 13 December 2019. Collection method: clinical testing. Allele origin: germline.
Comment: This variant was observed in the ICSL laboratory as part of a predisposition screen in an ostensibly healthy population. It had not been previously curated by ICSL or reported in the Human Gene Mutation Database (HGMD: prior to June 1st, 2018), and was therefore a candidate for classification through an automated scoring system. Utilizing variant allele frequency, disease prevalence and penetrance estimates, and inheritance mode, an automated score was calculated to assess if this variant is too frequent to cause the disease. Based on the score and internal cut-off values, a variant classified as likely benign is not then subjected to further curation. The score for this variant resulted in a classification of likely benign for this disease.

Breakthrough Genomics
Classification: Likely benign. Review status: criteria provided, single submitter. Criteria: ACMG Guidelines, 2015. Collection method: not provided. Allele origin: germline. Inheritance: Unknown mechanism. Affected: yes.

NM_001379270.1(CNGA1):c.2034G>A (p.Ala678=)

Genes: CNGA1 (cyclic nucleotide gated channel subunit alpha 1; minus strand), LOC101927157 (uncharacterized LOC101927157; plus strand). Cytogenetic location: 4p12.
Variant type: single nucleotide variant.
Coding change: c.2034G>A on transcript NM_001379270.1 (MANE Select); coding-DNA position 2034, G replaced by A.
Protein change: p.Ala678=; no amino-acid change (alanine 678 retained).
Molecular consequence: synonymous variant.
Genome position (GRCh38, 1-based): chr4:47,936,448, C>T on the plus strand (G>A on the coding strand, the complement: CNGA1 is on the minus strand). VCF-style: chr4-47936448-C-T. GRCh37 (hg19) VCF-style: chr4-47938465-C-T.
Other names: c.2034G>A, p.Ala678= (NM_000087.5, NM_001142564.2).
Identifiers: ClinVar variation 348834 (VCV000348834.15), dbSNP rs73145999, ClinGen allele CA2910969.
Genomic context (GRCh38, chr4:47,936,448, plus strand): 5'-GGCATGTCCCTGTTAATGACCAGCTTTTCGGTTCTATGTAGAGTCGATGGGCCCACTTTC[C>T]GCTCCAGGTCCCTCAATACTTGAAAATTCTGTGTCAATAAGCGGTTTCAGAAATTTCTCA-3'
Protein context (NP_001366199.1, residues 668-686): TEFSSIEGPG[Ala678=]ESGPIDST